The following is an entry in ClinVar:

ClinVar aggregate classification (germline): Likely benign. Review status: criteria provided, multiple submitters, no conflicts (2 of 4 stars). 3 submissions from 3 submitters: Likely benign (3). Last evaluated 2025-08-28.

Allele frequency attached by ClinVar (database versions not stated): gnomAD exomes 0.00003; ESP Exome Variant Server 0.00008; ExAC 0.00009; gnomAD 0.00032; TOPMed 0.00039; 1000 Genomes Project 0.00040; 1000 Genomes Project 30x 0.00047.
gnomAD v4.1: 95 of 1,614,230 alleles (0.0059%); highest among the groups gnomAD compares: African/African-American, 0.12%; no homozygotes.

Submissions (3):

Mayo Clinic Laboratories, Mayo Clinic
Classification: Likely benign. Last evaluated: 2025-08-28. Review status: criteria provided, single submitter. Criteria: ACMG Guidelines, 2015. Collection method: clinical testing. Allele origin: germline. Observed: 1 variant allele.
Comment: BP4, BP7

Labcorp Genetics (formerly Invitae), Labcorp
Classification: Likely benign. Last evaluated: 2025-08-18. Review status: criteria provided, single submitter. Criteria: Invitae Variant Classification Sherloc (09022015). Collection method: clinical testing. Allele origin: germline.

Blueprint Genetics
Classification: Likely benign. Last evaluated: 2023-12-07. Review status: criteria provided, single submitter. Criteria: ACMG Guidelines, 2015. Collection method: clinical testing. Allele origin: germline.

NM_001261826.3(AP3D1):c.1140G>A (p.Leu380=)

Gene: AP3D1 (adaptor related protein complex 3 subunit delta 1; minus strand). Cytogenetic location: 19p13.3.
Variant type: single nucleotide variant.
Coding change: c.1140G>A on transcript NM_001261826.3 (MANE Select); coding-DNA position 1140, G replaced by A.
Protein change: p.Leu380=; no amino-acid change (leucine 380 retained).
Molecular consequence: synonymous variant.
Genome position (GRCh38, 1-based): chr19:2,121,273, C>T on the plus strand (G>A on the coding strand, the complement: AP3D1 is on the minus strand). VCF-style: chr19-2121273-C-T. GRCh37 (hg19) VCF-style: chr19-2121272-C-T.
Other names: p.Leu380=; c.1140G>A, p.Leu380= (NM_001374799.1, NM_003938.8).
Identifiers: ClinVar variation 2200788 (VCV002200788.6), dbSNP rs139520213, ClinGen allele CA9059396.